The following is an entry in ClinVar:

NM_152743.4(BRAT1):c.1832C>T (p.Ala611Val)

Gene: BRAT1 (BRCA1 associated ATM activator 1; minus strand). Cytogenetic location: 7p22.3.
Variant type: single nucleotide variant.
Coding change: c.1832C>T on transcript NM_152743.4 (MANE Select); coding-DNA position 1832, C replaced by T.
Protein change: p.Ala611Val; replaces alanine 611 with valine.
Molecular consequence: missense variant. On other transcripts: non-coding transcript variant (1).
Genome position (GRCh38, 1-based): chr7:2,538,703, G>A on the plus strand (C>T on the coding strand, the complement: BRAT1 is on the minus strand). VCF-style: chr7-2538703-G-A. GRCh37 (hg19) VCF-style: chr7-2578337-G-A.
Other names: c.2012C>T, p.Ala671Val (NM_001350626.2); c.1307C>T, p.Ala436Val (NM_001350627.2); c.1832C>T (NM_152743.3); short protein forms A611V, A671V, A436V.
Identifiers: ClinVar variation 1423279 (VCV001423279.5), dbSNP rs930716310, ClinGen allele CA152665026.

ClinVar aggregate classification (germline): Uncertain significance. Review status: criteria provided, multiple submitters, no conflicts (2 of 4 stars). 2 submissions from 2 submitters: Uncertain significance (2). Last evaluated 2026-09-25.

Conditions:
Neonatal-onset encephalopathy with rigidity and seizures. Also called: Lethal neonatal spasticity-epileptic encephalopathy syndrome. Identifiers: Orphanet 435845, MedGen C3281029, MONDO:0013784, OMIM 614498.

Allele frequency attached by ClinVar (database versions not stated): gnomAD exomes 0.00001 and 0.00002; TOPMed 0.00002; gnomAD 0.00001.
gnomAD v4.1: 25 of 1,598,238 alleles (0.0016%); highest among the groups gnomAD compares: African/African-American, 0.0027%; no homozygotes.

Submissions (2):

GeneDx
Classification: Uncertain significance. Last evaluated: 2026-09-25. Review status: criteria provided, single submitter. Criteria: GeneDx Variant Classification Process June 2021. Collection method: clinical testing. Allele origin: germline.
Comment: Not observed at significant frequency in large population cohorts (gnomAD); In silico analysis supports that this missense variant has a deleterious effect on protein structure/function; Has not been previously published as pathogenic or benign to our knowledge

Labcorp Genetics (formerly Invitae), Labcorp
Classification: Uncertain significance for Neonatal-onset encephalopathy with rigidity and seizures. Last evaluated: 2022-06-27. Review status: criteria provided, single submitter. Criteria: Invitae Variant Classification Sherloc (09022015). Collection method: clinical testing. Allele origin: germline.
Comment: This sequence change replaces alanine, which is neutral and non-polar, with valine, which is neutral and non-polar, at codon 611 of the BRAT1 protein (p.Ala611Val). This variant is present in population databases (no rsID available, gnomAD 0.003%). This variant has not been reported in the literature in individuals affected with BRAT1-related conditions. Algorithms developed to predict the effect of missense changes on protein structure and function (SIFT, PolyPhen-2, Align-GVGD) all suggest that this variant is likely to be disruptive. In summary, the available evidence is currently insufficient to determine the role of this variant in disease. Therefore, it has been classified as a Variant of Uncertain Significance.